The following is an entry in ClinVar:

ClinVar aggregate classification (germline): Benign/Likely benign. Review status: criteria provided, multiple submitters, no conflicts (2 of 4 stars). 3 submissions from 3 submitters: Benign (1); Likely benign (2). Last evaluated 2026-03-01.

Allele frequency attached by ClinVar (database versions not stated): gnomAD 0.00003; ExAC 0.00005; gnomAD exomes 0.00005; TOPMed 0.00007; 1000 Genomes Project 30x 0.00016; 1000 Genomes Project 0.00020.
gnomAD v4.1: 35 of 1,613,676 alleles (0.0022%); highest among the groups gnomAD compares: Admixed American, 0.057%; 1 homozygote.

Submissions (3):

CeGaT Center for Human Genetics Tuebingen
Classification: Likely benign. Last evaluated: 2026-03-01. Review status: criteria provided, single submitter. Criteria: CeGaT Center For Human Genetics Tuebingen Variant Classification Criteria Version 2. Collection method: clinical testing. Allele origin: germline. Affected: yes. Observed: 1 variant allele.
Comment: MACF1: BP4, BP7

Labcorp Genetics (formerly Invitae), Labcorp
Classification: Benign. Last evaluated: 2024-06-03. Review status: criteria provided, single submitter. Criteria: Invitae Variant Classification Sherloc (09022015). Collection method: clinical testing. Allele origin: germline.

Blueprint Genetics
Classification: Likely benign. Last evaluated: 2022-04-12. Review status: criteria provided, single submitter. Criteria: ACMG Guidelines, 2015. Collection method: clinical testing. Allele origin: germline.

NM_001394062.1(MACF1):c.13588C>T (p.Leu4530=)

Gene: MACF1 (microtubule actin crosslinking factor 1; plus strand). Cytogenetic location: 1p34.3.
Variant type: single nucleotide variant.
Coding change: c.13588C>T on transcript NM_001394062.1 (MANE Select); coding-DNA position 13588, C replaced by T.
Protein change: p.Leu4530=; no amino-acid change (leucine 4530 retained).
Molecular consequence: synonymous variant.
Genome position (GRCh38, 1-based): chr1:39,380,313, C>T. VCF-style: chr1-39380313-C-T. GRCh37 (hg19) VCF-style: chr1-39845985-C-T.
Other names: c.7402C>T, p.Leu2468= (NM_012090.5).
Identifiers: ClinVar variation 2169887 (VCV002169887.9), dbSNP rs140898090, ClinGen allele CA782093.